The following is an entry in ClinVar:

ClinVar aggregate classification (germline): Uncertain significance. Review status: criteria provided, multiple submitters, no conflicts (2 of 4 stars). 7 submissions from 7 submitters: Uncertain significance (7). Last evaluated 2024-12-17.

Conditions:
Neonatal-onset encephalopathy with rigidity and seizures. Also called: Lethal neonatal spasticity-epileptic encephalopathy syndrome. Identifiers: Orphanet 435845, MedGen C3281029, MONDO:0013784, OMIM 614498.
Neurodevelopmental disorder with cerebellar atrophy and with or without seizures. Identifiers: MedGen C4748032, MONDO:0020841, OMIM 618056.
Inborn genetic diseases. Identifiers: MedGen C0950123, MeSH D030342.

Allele frequency attached by ClinVar (database versions not stated): ExAC 0.00006; gnomAD 0.00007 and 0.00008; gnomAD exomes 0.00007 and 0.00008; TOPMed 0.00009; ESP Exome Variant Server 0.00015.
gnomAD v4.1: 115 of 1,570,976 alleles (0.0073%); highest among the groups gnomAD compares: Middle Eastern, 0.038%; 1 homozygote.

Submissions (7):

Labcorp Genetics (formerly Invitae), Labcorp
Classification: Uncertain significance for Neonatal-onset encephalopathy with rigidity and seizures. Last evaluated: 2024-12-17. Review status: criteria provided, single submitter. Criteria: Invitae Variant Classification Sherloc (09022015). Collection method: clinical testing. Allele origin: germline.
Comment: This sequence change replaces threonine, which is neutral and polar, with methionine, which is neutral and non-polar, at codon 447 of the BRAT1 protein (p.Thr447Met). This variant is present in population databases (rs368808380, gnomAD 0.04%). This variant has not been reported in the literature in individuals affected with BRAT1-related conditions. ClinVar contains an entry for this variant (Variation ID: 546475). Invitae Evidence Modeling of protein sequence and biophysical properties (such as structural, functional, and spatial information, amino acid conservation, physicochemical variation, residue mobility, and thermodynamic stability) indicates that this missense variant is not expected to disrupt BRAT1 protein function with a negative predictive value of 95%. In summary, the available evidence is currently insufficient to determine the role of this variant in disease. Therefore, it has been classified as a Variant of Uncertain Significance.

Blueprint Genetics
Classification: Uncertain significance. Last evaluated: 2023-09-04. Review status: criteria provided, single submitter. Criteria: ACMG Guidelines, 2015. Collection method: clinical testing. Allele origin: germline.

GeneDx
Classification: Uncertain significance. Last evaluated: 2023-08-17. Review status: criteria provided, single submitter. Criteria: GeneDx Variant Classification Process June 2021. Collection method: clinical testing. Allele origin: germline. Affected: yes.
Comment: In silico analysis supports that this missense variant does not alter protein structure/function; Has not been previously published as pathogenic or benign to our knowledge; This variant is associated with the following publications: (PMID: 27535533)

CeGaT Center for Human Genetics Tuebingen
Classification: Uncertain significance. Last evaluated: 2022-09-01. Review status: criteria provided, single submitter. Criteria: CeGaT Center For Human Genetics Tuebingen Variant Classification Criteria Version 2. Collection method: clinical testing. Allele origin: germline. Affected: yes. Observed: 1 variant allele.
Comment: BRAT1: PM2:Supporting, BP4

Fulgent Genetics
Classification: Uncertain significance for Neonatal-onset encephalopathy with rigidity and seizures; Neurodevelopmental disorder with cerebellar atrophy and with or without seizures. Last evaluated: 2021-10-07. Review status: criteria provided, single submitter. Criteria: ACMG Guidelines, 2015. Collection method: clinical testing. Allele origin: unknown.

Ambry Genetics
Classification: Uncertain significance for Inborn genetic diseases. Last evaluated: 2021-07-13. Review status: criteria provided, single submitter. Criteria: Ambry Variant Classification Scheme 2023. Collection method: clinical testing. Allele origin: germline.

Baylor Genetics
Classification: Uncertain significance for Neonatal-onset encephalopathy with rigidity and seizures. Last evaluated: 2019-10-24. Review status: criteria provided, single submitter. Criteria: ACMG Guidelines, 2015. Collection method: clinical testing. Allele origin: unknown. Affected: yes.
Comment: This variant was determined to be of uncertain significance according to ACMG Guidelines, 2015 [PMID:25741868].

NM_152743.4(BRAT1):c.1340C>T (p.Thr447Met)

Gene: BRAT1 (BRCA1 associated ATM activator 1; minus strand). Cytogenetic location: 7p22.3.
Variant type: single nucleotide variant.
Coding change: c.1340C>T on transcript NM_152743.4 (MANE Select); coding-DNA position 1340, C replaced by T.
Protein change: p.Thr447Met; replaces threonine 447 with methionine.
Molecular consequence: missense variant. On other transcripts: non-coding transcript variant (1).
Genome position (GRCh38, 1-based): chr7:2,541,034, G>A on the plus strand (C>T on the coding strand, the complement: BRAT1 is on the minus strand). VCF-style: chr7-2541034-G-A. GRCh37 (hg19) VCF-style: chr7-2580668-G-A.
Other names: c.1340C>T, p.Thr447Met (NM_001350626.2); c.815C>T, p.Thr272Met (NM_001350627.2); short protein forms T447M, T272M.
Identifiers: ClinVar variation 546475 (VCV000546475.47), dbSNP rs368808380, ClinGen allele CA4127800.